The following is an entry in ClinVar:

NM_000238.4(KCNH2):c.2114G>A (p.Trp705Ter)

Gene: KCNH2 (potassium voltage-gated channel subfamily H member 2; minus strand). Cytogenetic location: 7q36.1.
Variant type: single nucleotide variant.
Coding change: c.2114G>A on transcript NM_000238.4 (MANE Select); coding-DNA position 2114, G replaced by A.
Protein change: p.Trp705Ter; replaces tryptophan 705 with a stop codon.
Molecular consequence: nonsense.
Genome position (GRCh38, 1-based): chr7:150,950,952, C>T on the plus strand (G>A on the coding strand, the complement: KCNH2 is on the minus strand). VCF-style: chr7-150950952-C-T. GRCh37 (hg19) VCF-style: chr7-150648040-C-T.
Other names: c.1094G>A, p.Trp365Ter (NM_001204798.2, NM_172057.3); c.1826G>A, p.Trp609Ter (NM_001406753.1, NM_001406756.1); c.1937G>A, p.Trp646Ter (NM_001406755.1); c.1814G>A, p.Trp605Ter (NM_001406757.1); c.2114G>A, p.Trp705Ter (NM_172056.3); short protein forms W365*, W705*, W646*, W605*, W609*.
Identifiers: ClinVar variation 1456278 (VCV001456278.9), dbSNP rs2116954443, ClinGen allele CA369857397.

ClinVar aggregate classification (germline): Pathogenic (1 of 4 stars; one submission).

Conditions:
Long QT syndrome (LQTS). Identifiers: MedGen C0023976, MeSH D008133, MONDO:0002442. Disease mechanism: loss of function. Inheritance: Various modes of inheritance.

Submission:

Labcorp Genetics (formerly Invitae), Labcorp
Classification: Pathogenic for Long QT syndrome. Last evaluated: 2021-03-18. Review status: criteria provided, single submitter. Criteria: Invitae Variant Classification Sherloc (09022015). Collection method: clinical testing. Allele origin: germline.
Comment: This sequence change creates a premature translational stop signal (p.Trp705*) in the KCNH2 gene. It is expected to result in an absent or disrupted protein product. Loss-of-function variants in KCNH2 are known to be pathogenic (PMID: 10973849, 19862833). This variant is not present in population databases (ExAC no frequency). This variant has been observed in individual(s) with KCNH2-related conditions (PMID: 16922724). For these reasons, this variant has been classified as Pathogenic.

Literature cited by the submitters: PubMed 10973849; PubMed 19862833; PubMed 16922724.